The following is an entry in ClinVar:

NM_001170629.2(CHD8):c.6827T>C (p.Met2276Thr)

Genes: CHD8 (chromodomain helicase DNA binding protein 8; minus strand), LOC126861888 (CDK7 strongly-dependent group 2 enhancer GRCh37_chr14:21859227-21860426; plus strand). Cytogenetic location: 14q11.2.
Variant type: single nucleotide variant.
Coding change: c.6827T>C on transcript NM_001170629.2 (MANE Select); coding-DNA position 6827, T replaced by C.
Protein change: p.Met2276Thr; replaces methionine 2276 with threonine.
Molecular consequence: missense variant.
Genome position (GRCh38, 1-based): chr14:21,391,891, A>G on the plus strand (T>C on the coding strand, the complement: CHD8 is on the minus strand). VCF-style: chr14-21391891-A-G. GRCh37 (hg19) VCF-style: chr14-21860050-A-G.
Other names: c.5990T>C, p.Met1997Thr (NM_020920.4); short protein forms M1997T, M2276T.
Identifiers: ClinVar variation 4851480 (VCV004851480.1).

ClinVar aggregate classification (germline): Uncertain significance (1 of 4 stars; one submission).

Conditions:
Paediatric disorders.

gnomAD v4.1: 1 of 1,613,944 alleles (0.000062%); highest among the groups gnomAD compares: Non-Finnish European, 0.000085%; no homozygotes.

Submission:

North West Genomic Laboratory Hub, Manchester University NHS Foundation Trust
Classification: Uncertain significance for Paediatric disorders. Last evaluated: 2026-05-04. Review status: criteria provided, single submitter. Criteria: ACGS Best Practice Guidelines for Variant Classification in Rare Disease 2024. Collection method: clinical testing. Allele origin: germline. Affected: yes.
Comment: PM2_Mod BP4_Supp PP2_Supp